The following is an entry in ClinVar:

ClinVar aggregate classification (germline): Benign (1 of 4 stars; one submission).

Conditions:
Hereditary diffuse gastric adenocarcinoma (HDGC). Also called: DIFFUSE GASTRIC AND LOBULAR BREAST CANCER SYNDROME. Identifiers: Orphanet 26106, MedGen C1708349, MONDO:0007648, OMIM 137215.

gnomAD v4.1: 1 of 1,613,806 alleles (0.000062%); highest among the groups gnomAD compares: Non-Finnish European, 0.000085%; no homozygotes.

Submission:

Myriad Genetics, Inc.
Classification: Benign for Hereditary diffuse gastric adenocarcinoma. Last evaluated: 2024-10-11. Review status: criteria provided, single submitter. Criteria: Myriad Autosomal Dominant, Autosomal Recessive and X-Linked Classification Criteria (2023). Collection method: clinical testing. Allele origin: unknown.
Comment: This variant is considered benign. This variant is a silent/synonymous amino acid change and it is not expected to impact splicing.

NM_001903.5(CTNNA1):c.1377C>A (p.Ala459=)

Gene: CTNNA1 (catenin alpha 1; plus strand). Cytogenetic location: 5q31.2.
Variant type: single nucleotide variant.
Coding change: c.1377C>A on transcript NM_001903.5 (MANE Select); coding-DNA position 1377, C replaced by A.
Protein change: p.Ala459=; no amino-acid change (alanine 459 retained).
Molecular consequence: synonymous variant. On other transcripts: 5 prime UTR variant (4), intron variant (3).
Genome position (GRCh38, 1-based): chr5:138,904,429, C>A. VCF-style: chr5-138904429-C-A. GRCh37 (hg19) VCF-style: chr5-138240118-C-A.
Other names: c.1377C>A, p.Ala459= (NM_001290307.3, NM_001323982.2, NM_001323983.1 and 2 more transcripts); c.1068C>A, p.Ala356= (NM_001290309.3); c.1008C>A, p.Ala336= (NM_001290310.3); c.267C>A, p.Ala89= (NM_001290312.1, NM_001323987.1, NM_001323988.1 and 17 more transcripts); c.-131C>A (NM_001324006.1, NM_001324007.1, NM_001324008.1 and 1 more transcripts); c.24C>A, p.Ala8= (NM_001324012.1, NM_001324013.1); c.1297-13313C>A (NM_001323986.2); c.187-13313C>A (NM_001324011.1); and 1 more.
Identifiers: ClinVar variation 3773370 (VCV003773370.1).
Genomic context (GRCh38, chr5:138,904,429, plus strand): 5'-CATCTCAAATAATGAAGAAGGTGTAAAGCTTGTTCGAATGTCTGCAAGCCAGTTAGAAGC[C>A]CTCTGTCCTCAGGTAAAGTACAACTGACACTGGTGACAGCATAACCAAATTAAATTTTGA-3'
Protein context (NP_001894.2, residues 449-469): LVRMSASQLE[Ala459=]LCPQVINAAL